The following is an entry in ClinVar:

ClinVar aggregate classification (germline): Uncertain significance (1 of 4 stars; one submission).

gnomAD v4.1: 109 of 1,614,146 alleles (0.0068%); highest among the groups gnomAD compares: Admixed American, 0.025%; no homozygotes.

Submission:

Mayo Clinic Laboratories, Mayo Clinic
Classification: Uncertain significance. Last evaluated: 2023-06-14. Review status: criteria provided, single submitter. Criteria: ACMG Guidelines, 2015. Collection method: clinical testing. Allele origin: germline. Observed: 1 variant allele.
Comment: BP4, PM2_moderate

NM_001083961.2(WDR62):c.2764C>T (p.Arg922Cys)

Gene: WDR62 (WD repeat domain 62; plus strand). Cytogenetic location: 19q13.12.
Variant type: single nucleotide variant.
Coding change: c.2764C>T on transcript NM_001083961.2 (MANE Select); coding-DNA position 2764, C replaced by T.
Protein change: p.Arg922Cys; replaces arginine 922 with cysteine.
Molecular consequence: missense variant.
Genome position (GRCh38, 1-based): chr19:36,100,772, C>T. VCF-style: chr19-36100772-C-T. GRCh37 (hg19) VCF-style: chr19-36591674-C-T.
Other names: p.Arg922Cys; c.2749C>T, p.Arg917Cys (NM_001411145.1); c.2764C>T, p.Arg922Cys (NM_001411146.1, NM_173636.5); c.2413C>T, p.Arg805Cys (NM_001411147.1); short protein forms R805C, R917C, R922C.
Identifiers: ClinVar variation 3380607 (VCV003380607.1).